The following is an entry in ClinVar:

ClinVar aggregate classification (germline): Pathogenic/Likely pathogenic. Review status: criteria provided, multiple submitters, no conflicts (2 of 4 stars). 9 submissions from 9 submitters: Pathogenic (8); Likely pathogenic (1). Last evaluated 2026-07-27.

Conditions:
Pheochromocytoma/paraganglioma syndrome 3. Also called: SDHC-Related Hereditary Paraganglioma-Pheochromocytoma Syndrome; GLOMUS TUMORS, FAMILIAL, 3; SDHC-Related Hereditary Paraganglioma-Pheochromocytoma Syndrome (Paragangliomas 3); Paragangliomas 3. Identifiers: Orphanet 29072, MedGen C1854336, MONDO:0011544, OMIM 605373.
Gastrointestinal stromal tumor. Also called: Gastrointestinal stroma tumor; Gastrointestinal stromal tumor, somatic. Identifiers: Orphanet 44890, MedGen C0238198, MeSH D046152, MONDO:0011719, OMIM 606764, HP:0100723.
Hereditary cancer-predisposing syndrome. Also called: Hereditary neoplastic syndrome; Neoplastic Syndromes, Hereditary; Hereditary Cancer Syndrome; Tumor predisposition. Identifiers: Orphanet 140162, MedGen C0027672, MeSH D009386, MONDO:0015356.

Allele frequency attached by ClinVar (database versions not stated): gnomAD exomes below 0.00001; gnomAD 0.00001; TOPMed 0.00001; ExAC 0.00002.

Submissions (9):

GeneDx
Classification: Pathogenic. Last evaluated: 2026-07-27. Review status: criteria provided, single submitter. Criteria: GeneDx Variant Classification Process June 2021. Collection method: clinical testing. Allele origin: germline.
Comment: Initiation codon variant in a gene for which loss of function is a known mechanism of disease; Not observed at significant frequency in large population cohorts (gnomAD); This variant is associated with the following publications: (PMID: 19454582, 22517557, 27011036, 23282968, 19351833, 28748451, 16249420, 31589614, 33087929, 34558728, 24096523, 31447099, 22517554, 22351710, 11062460, 34750850, 30201732, 30877234)

Labcorp Genetics (formerly Invitae), Labcorp
Classification: Pathogenic for Pheochromocytoma/paraganglioma syndrome 3; Gastrointestinal stromal tumor. Last evaluated: 2025-12-13. Review status: criteria provided, single submitter. Criteria: Invitae Variant Classification Sherloc (09022015). Collection method: clinical testing. Allele origin: germline.
Comment: This sequence change affects the initiator codon of the SDHC mRNA. This change may impact translation initiation or efficiency. The next in-frame methionine is located at codon 38. This variant is present in population databases (rs755235380, gnomAD 0.006%). Disruption of the initiator codon has been observed in individuals with clinical features of SDHC-related conditions (PMID: 11062460, 16249420, 19454582, 22351710, 22517554, 23282968). It has also been observed to segregate with disease in related individuals. ClinVar contains an entry for this variant (Variation ID: 407060). For these reasons, this variant has been classified as Pathogenic.

Ambry Genetics
Classification: Pathogenic for Hereditary cancer-predisposing syndrome. Last evaluated: 2025-06-03. Review status: criteria provided, single submitter. Criteria: Ambry Variant Classification Scheme 2023. Collection method: clinical testing. Allele origin: germline.
Comment: The p.M1? pathogenic mutation (also known as c.1A>G) is located in coding exon 1 of the SDHC gene and results from an A to G substitution at nucleotide position 1. This alters the methionine residue at the initiation codon (ATG). This mutation has previously been reported in multiple individuals diagnosed with paragangliomas (Niemann S et al. Nat Genet 2000 Nov;26(3):268-70; Schiavi F et al. JAMA. 2005 Oct;294:2057-63; Burnichon N et al. J. Clin. Endocrinol. Metab. 2009 Aug;94:2817-27; Neumann HP et al. Cancer Res. 2009 Apr;69:3650-6; Am J Surg Pathol 2013 Feb;37(2):234-40). The mutation was also detected in an individual whose GIST tumor showed a loss of SDHB expression and intact SDHA expression on IHC (Miettinen M et al. Am. J. Surg. Pathol. 2013 Feb;37:234-40). In addition to the clinical data presented in the literature, sequence variations that modify the initiation codon are expected to result in either loss of translation initiation, N-terminal truncation, or cause a shift in the mRNA reading frame. Based on the supporting evidence, this alteration is interpreted as a disease-causing mutation.

Myriad Genetics, Inc.
Classification: Pathogenic for Pheochromocytoma/paraganglioma syndrome 3. Last evaluated: 2024-02-15. Review status: criteria provided, single submitter. Criteria: Myriad Autosomal Dominant, Autosomal Recessive and X-Linked Classification Criteria (2023). Collection method: clinical testing. Allele origin: unknown.
Comment: This variant is considered pathogenic. This variant is located within the gene translation start codon (p.Met1?) and is predicted to result in abnormal protein translation. This variant has been reported in multiple individuals with clinical features of gene-specific disease [PMID: 30201732, 30877234, 16249420, 11062460, 25720320].

Institute for Genomic Medicine (IGM) Clinical Laboratory, Nationwide Children's Hospital
Classification: Pathogenic for Pheochromocytoma/paraganglioma syndrome 3. Last evaluated: 2023-09-13. Review status: criteria provided, single submitter. Criteria: ACMG Guidelines, 2015. Collection method: clinical testing. Allele origin: germline.
Comment: This variant is predicted to result in loss of function through nonsense-mediated decay of the encoded transcript or premature truncation of the encoded protein in a gene in which loss of function is a known mechanism of disease (ACMG/AMP: PVS1_Strong). This variant has been reported at an elevated frequency in affected individuals/in multiple affected individuals in the literature (ACMG/AMP: PS4; PMIDs:16249420, 19351833, 19454582, 22517554, 23282968). This variant is absent from or present at an exceedingly low frequency in gnomAD, a large-scale control population database (ACMG/AMP: PM2).

New York Genome Center
Classification: Pathogenic for Pheochromocytoma/paraganglioma syndrome 3. Last evaluated: 2020-07-17. Review status: criteria provided, single submitter. Criteria: NYGC Assertion Criteria 2020. Collection method: clinical testing. Allele origin: germline. Observed: 1 heterozygote. Study: CSER-NYCKidSeq.
Comment: The variant c.1A>G affects the initiator methionine of the SDHC mRNA. This variant is present in population databases (gnomAD v30.001%) and has been reported in the literature in 3 individuals affected with paraganglioma/pheochromocytoma and gastrointestinal stromal tumors [PMID: 23282968; PMID: 22517554; PMID: 19454582], and in a family with Paraganglioma Syndrome [PMID: 16249420]. Two different variants (c.2T>A and c.3G>A) that disrupt the same methionine initiator have been reported in patients and families affected with head and neck paragangliomas [PMID: 19351833], paragangliomas [PMID: 11062460], and renal cell carcinoma [PMID: 22351710], indicating that this methionine initiator of SDHC may be critical for protein function. Based on the available evidence, this variant has been classified as Pathogenic.

Human Genome Sequencing Center Clinical Lab, Baylor College of Medicine
Classification: Pathogenic for Paragangliomas 3. Last evaluated: 2018-10-12. Review status: criteria provided, single submitter. Criteria: ACMG Guidelines, 2015. Collection method: clinical testing. Allele origin: germline.
Comment: This rare c.1A>G (p.Met1?) variant (seen once in gnomAD) in the SDHC gene is predicted to result in a start codon loss of the major biological transcripts. The variant has been observed in multiple unrelated individuals paraganglioma/pheochromocytoma (PMID 16249420, 19351833, 19454582). Predicted start codon loss with different nucleotide changes in this gene has been also observed in other individuals with paraganglioma (PMID : 19351833) . Therefore, this c.1A>G (p.Met1?) variant variant is considered as pathogenic.

Center for Human Genetics, Inc
Classification: Pathogenic for Pheochromocytoma/paraganglioma syndrome 3. Last evaluated: 2016-11-01. Review status: criteria provided, single submitter. Criteria: ACMG Guidelines, 2015. Collection method: clinical testing. Allele origin: germline. Affected: yes.

Juno Genomics, Hangzhou Juno Genomics, Inc
Classification: Likely pathogenic for Pheochromocytoma/paraganglioma syndrome 3. Review status: criteria provided, single submitter. Criteria: ACMG Guidelines, 2015. Collection method: clinical testing. Allele origin: germline.
Comment: Absent from controls (or at extremely low frequency if recessive) in Genome Aggregation Database.;Null variant in a gene where loss of function (LOF) is a known mechanism of disease.;The prevalence of the variant in affected individuals is significantly increased compared to the prevalence in controls.;Patient's phenotype or family history is highly specific for a disease with a single genetic etiology.

Literature cited by the submitters: PubMed 11062460 (cited by Labcorp Genetics (formerly Invitae), Labcorp and Myriad Genetics, Inc.); PubMed 16249420 (cited by 4 submitters); PubMed 19454582 (cited by 3 submitters); PubMed 22351710 (cited by Labcorp Genetics (formerly Invitae), Labcorp); PubMed 22517554 (cited by Labcorp Genetics (formerly Invitae), Labcorp and Institute for Genomic Medicine (IGM) Clinical Laboratory, Nationwide Children's Hospital); PubMed 23282968 (cited by 3 submitters); PubMed 19351833 (cited by Ambry Genetics and Institute for Genomic Medicine (IGM) Clinical Laboratory, Nationwide Children's Hospital); PubMed 30201732 (cited by Myriad Genetics, Inc.); PubMed 30877234 (cited by Myriad Genetics, Inc.); PubMed 25720320 (cited by Myriad Genetics, Inc.).

NM_003001.5(SDHC):c.1A>G (p.Met1Val)

Gene: SDHC (succinate dehydrogenase complex subunit C; plus strand). Cytogenetic location: 1q23.3.
Variant type: single nucleotide variant.
Coding change: c.1A>G on transcript NM_003001.5 (MANE Select); coding-DNA position 1, A replaced by G.
Protein change: p.Met1Val; changes the start codon (methionine 1).
Molecular consequence: missense variant, initiator codon variant.
Genome position (GRCh38, 1-based): chr1:161,314,406, A>G. VCF-style: chr1-161314406-A-G. GRCh37 (hg19) VCF-style: chr1-161284196-A-G.
Other names: c.1A>G, p.Met1Val (NM_001035511.3, NM_001035512.3, NM_001035513.3 and 6 more transcripts); c.-560A>G (NM_001407119.1); c.-229A>G (NM_001407120.1); short protein forms M1V.
Identifiers: ClinVar variation 407060 (VCV000407060.28), dbSNP rs755235380, ClinGen allele CA046289.